The following is an entry in ClinVar:

ClinVar aggregate classification (germline): Likely benign (1 of 4 stars; one submission).

Conditions:
SEMA3A-related disorder. Also called: SEMA3A-related condition.

gnomAD v4.1: 2 of 1,613,792 alleles (0.00012%); highest among the groups gnomAD compares: Non-Finnish European, 0.00017%; no homozygotes.

Submission:

PreventionGenetics, part of Exact Sciences
Classification: Likely benign for SEMA3A-related condition. Last evaluated: 2025-05-20. Review status: criteria provided, single submitter. Criteria: ACMG Guidelines, 2015. Collection method: clinical testing. Allele origin: germline.
Comment: This variant is classified as likely benign based on ACMG/AMP sequence variant interpretation guidelines (Richards et al. 2015 PMID: 25741868, with internal and published modifications).

NM_006080.3(SEMA3A):c.186G>A (p.Leu62=)

Gene: SEMA3A (semaphorin 3A; minus strand). Cytogenetic location: 7q21.11.
Variant type: single nucleotide variant.
Coding change: c.186G>A on transcript NM_006080.3 (MANE Select); coding-DNA position 186, G replaced by A.
Protein change: p.Leu62=; no amino-acid change (leucine 62 retained).
Molecular consequence: synonymous variant.
Genome position (GRCh38, 1-based): chr7:84,134,878, C>T on the plus strand (G>A on the coding strand, the complement: SEMA3A is on the minus strand). VCF-style: chr7-84134878-C-T. GRCh37 (hg19) VCF-style: chr7-83764194-C-T.
Identifiers: ClinVar variation 4984058 (VCV004984058.1).